The following is an entry in ClinVar:

ClinVar aggregate classification (germline): Likely benign. Review status: criteria provided, multiple submitters, no conflicts (2 of 4 stars). 5 submissions from 5 submitters: Likely benign (4). 1 of the submissions does not count toward it. Last evaluated 2026-08-22.

Conditions:
Hermansky-Pudlak syndrome 3 (HPS3). Identifiers: Orphanet 231512, Orphanet 79430, MedGen C3888001, MONDO:0013555, OMIM 614072.
HPS3-related disorder. Also called: HPS3-related condition.
Hermansky-Pudlak syndrome (HPS). Also called: ALBINISM WITH HEMORRHAGIC DIATHESIS AND PIGMENTED RETICULOENDOTHELIAL CELLS. Identifiers: Orphanet 79430, MedGen C0079504, MONDO:0019312.

Allele frequency attached by ClinVar (database versions not stated): 1000 Genomes Project 0.00060; 1000 Genomes Project 30x 0.00062; gnomAD exomes 0.00062 and 0.00028; ExAC 0.00068; gnomAD 0.00002 and 0.00015; TOPMed 0.00004.
gnomAD v4.1: 435 of 1,613,774 alleles (0.027%); highest among the groups gnomAD compares: South Asian, 0.38%; 3 homozygotes.

Submissions (5):

PreventionGenetics, part of Exact Sciences
Classification: Likely benign for HPS3-related condition. Last evaluated: 2026-08-22. Review status: criteria provided, single submitter. Criteria: ACMG Guidelines, 2015. Collection method: clinical testing. Allele origin: germline.
Comment: This variant is classified as likely benign based on ACMG/AMP sequence variant interpretation guidelines (Richards et al. 2015 PMID: 25741868, with internal and published modifications).

Labcorp Genetics (formerly Invitae), Labcorp
Classification: Likely benign. Last evaluated: 2026-01-28. Review status: criteria provided, single submitter. Criteria: Invitae Variant Classification Sherloc (09022015). Collection method: clinical testing. Allele origin: germline.

Illumina Laboratory Services, Illumina
Classification: Likely benign for Hermansky-Pudlak syndrome 3. Last evaluated: 2018-01-12. Review status: criteria provided, single submitter. Criteria: ICSL Variant Classification Criteria 13 December 2019. Collection method: clinical testing. Allele origin: germline.
Comment: This variant was observed in the ICSL laboratory as part of a predisposition screen in an ostensibly healthy population. It had not been previously curated by ICSL or reported in the Human Gene Mutation Database (HGMD: prior to June 1st, 2018), and was therefore a candidate for classification through an automated scoring system. Utilizing variant allele frequency, disease prevalence and penetrance estimates, and inheritance mode, an automated score was calculated to assess if this variant is too frequent to cause the disease. Based on the score and internal cut-off values, a variant classified as likely benign is not then subjected to further curation. The score for this variant resulted in a classification of likely benign for this disease.

Breakthrough Genomics
Classification: Likely benign. Review status: criteria provided, single submitter. Criteria: ACMG Guidelines, 2015. Collection method: not provided. Allele origin: germline. Inheritance: Autosomal recessive inheritance. Affected: yes.

Natera, Inc.
Classification: Uncertain significance for Hermansky-Pudlak syndrome. Last evaluated: 2020-01-24. Review status: no assertion criteria provided. Collection method: clinical testing. Allele origin: germline. Not counted in ClinVar's aggregate classification.

NM_032383.5(HPS3):c.2692C>T (p.Arg898Cys)

Genes: CP (ceruloplasmin; minus strand), HPS3 (HPS3 biogenesis of lysosomal organelles complex 2 subunit 1; plus strand). Cytogenetic location: 3q24.
Variant type: single nucleotide variant.
Coding change: c.2692C>T on transcript NM_032383.5 (MANE Select); coding-DNA position 2692, C replaced by T.
Protein change: p.Arg898Cys; replaces arginine 898 with cysteine.
Molecular consequence: missense variant.
Genome position (GRCh38, 1-based): chr3:149,167,136, C>T. VCF-style: chr3-149167136-C-T. GRCh37 (hg19) VCF-style: chr3-148884923-C-T.
Other names: c.2197C>T, p.Arg733Cys (NM_001308258.2); short protein forms R898C, R733C.
Identifiers: ClinVar variation 343713 (VCV000343713.18), dbSNP rs543058717, ClinGen allele CA2660434.
Genomic context (GRCh38, chr3:149,167,136, plus strand): 5'-CCGTTCTTGGAGCCACTTTCAGAAGACACTATTGCCGGCCTCAGTGTCCATGTTCTGTGT[C>T]GTACACGCTTGAAAGAGTATGAACAGTGCATAGACATACTGTTAGAGAGATGCCCGGAGG-3'
Protein context (NP_115759.2, residues 888-908): IAGLSVHVLC[Arg898Cys]TRLKEYEQCI